The following is an entry in ClinVar:

NM_002025.4(AFF2):c.1081T>C (p.Leu361=)

Gene: AFF2 (ALF transcription elongation factor 2; plus strand). Cytogenetic location: Xq28.
Variant type: single nucleotide variant.
Coding change: c.1081T>C on transcript NM_002025.4 (MANE Select); coding-DNA position 1081, T replaced by C.
Protein change: p.Leu361=; no amino-acid change (leucine 361 retained).
Molecular consequence: synonymous variant.
Genome position (GRCh38, 1-based): chrX:148,809,915, T>C. VCF-style: chrX-148809915-T-C. GRCh37 (hg19) VCF-style: chrX-147891439-T-C.
Other names: c.1069T>C, p.Leu357= (NM_001169122.2, NM_001169123.2, NM_001169125.2); c.1081T>C, p.Leu361= (NM_001169124.2); c.91T>C, p.Leu31= (NM_001170628.1).
Identifiers: ClinVar variation 4823640 (VCV004823640.4).

ClinVar aggregate classification (germline): Likely benign (1 of 4 stars; one submission).

gnomAD v4.1: 2 of 1,210,638 alleles (0.00017%); highest among the groups gnomAD compares: East Asian, 0.0059%; no homozygotes.

Submission:

CeGaT Center for Human Genetics Tuebingen
Classification: Likely benign. Last evaluated: 2026-03-01. Review status: criteria provided, single submitter. Criteria: CeGaT Center For Human Genetics Tuebingen Variant Classification Criteria Version 2. Collection method: clinical testing. Allele origin: germline. Affected: yes. Observed: 1 variant allele.
Comment: AFF2: BP4